The following is an entry in ClinVar:

ClinVar aggregate classification (germline): Uncertain significance (1 of 4 stars; one submission).

Conditions:
Familial hypobetalipoproteinemia 1. Also called: Hypobetalipoproteinemia, normotriglyceridemic; Acanthocytosis with hypobetalipoproteinemia; APOB-Related Familial Hypobetalipoproteinemia. Identifiers: MedGen C4551990, MONDO:0014252, OMIM 615558.

Submission:

Centre for Mendelian Genomics, University Medical Centre Ljubljana
Classification: Uncertain significance for Familial hypobetalipoproteinemia 1. Last evaluated: 2019-01-10. Review status: criteria provided, single submitter. Criteria: ACMG Guidelines, 2015. Collection method: clinical testing. Allele origin: unknown. Affected: yes.
Comment: This variant was classified as: Uncertain significance. The available evidence on this variant's pathogenicity is insufficient or conflicting. The following ACMG criteria were applied in classifying this variant: PM2,PP3.

NM_000384.3(APOB):c.2089T>G (p.Phe697Val)

Gene: APOB (apolipoprotein B; minus strand). Cytogenetic location: 2p24.1.
Variant type: single nucleotide variant.
Coding change: c.2089T>G on transcript NM_000384.3 (MANE Select); coding-DNA position 2089, T replaced by G.
Protein change: p.Phe697Val; replaces phenylalanine 697 with valine.
Molecular consequence: missense variant.
Genome position (GRCh38, 1-based): chr2:21,026,943, A>C on the plus strand (T>G on the coding strand, the complement: APOB is on the minus strand). VCF-style: chr2-21026943-A-C. GRCh37 (hg19) VCF-style: chr2-21249815-A-C.
Other names: short protein forms F697V.
Identifiers: ClinVar variation 930342 (VCV000930342.3), dbSNP rs1663745146, ClinGen allele CA346013379.